The following is an entry in ClinVar:

NM_004187.5(KDM5C):c.3619G>A (p.Asp1207Asn)

Gene: KDM5C (lysine demethylase 5C; minus strand). Cytogenetic location: Xp11.22.
Variant type: single nucleotide variant.
Coding change: c.3619G>A on transcript NM_004187.5 (MANE Select); coding-DNA position 3619, G replaced by A.
Protein change: p.Asp1207Asn; replaces aspartic acid 1207 with asparagine.
Molecular consequence: missense variant. On other transcripts: non-coding transcript variant (3).
Genome position (GRCh38, 1-based): chrX:53,194,558, C>T on the plus strand (G>A on the coding strand, the complement: KDM5C is on the minus strand). VCF-style: chrX-53194558-C-T. GRCh37 (hg19) VCF-style: chrX-53223740-C-T.
Other names: c.3418G>A, p.Asp1140Asn (NM_001146702.2); c.3616G>A, p.Asp1206Asn (NM_001282622.3, NM_001353979.2, NM_001353982.2); c.3619G>A, p.Asp1207Asn (NM_001353978.3, NM_001353981.2, NM_001353984.2); short protein forms D1140N, D1206N, D1207N.
Identifiers: ClinVar variation 2660587 (VCV002660587.24), dbSNP rs2519375547, ClinGen allele CA413107966.
Genomic context (GRCh38, chrX:53,194,558, plus strand): 5'-GATTGGGCCTCGGAGAGCTGAGGAGGCGAGGCACTGACACACACCGCCCATGGAACCAGT[C>T]CTGACACAGGTCACACTGCAGAGCTCCCGCCCCAGCCAGCACCTGCCCACACACACAGAT-3'
Protein context (NP_004178.2, residues 1197-1217): AGALQCDLCQ[Asp1207Asn]WFHGRCVSVP

ClinVar aggregate classification (germline): Uncertain significance (1 of 4 stars; one submission).

Allele frequency attached by ClinVar (database versions not stated): gnomAD exomes below 0.00001.
gnomAD v4.1: 1 of 1,211,945 alleles (0.000083%); highest among the groups gnomAD compares: South Asian, 0.0018%; no homozygotes.

Submission:

CeGaT Center for Human Genetics Tuebingen
Classification: Uncertain significance. Last evaluated: 2023-10-01. Review status: criteria provided, single submitter. Criteria: CeGaT Center For Human Genetics Tuebingen Variant Classification Criteria Version 2. Collection method: clinical testing. Allele origin: germline. Affected: yes. Observed: 1 variant allele.
Comment: KDM5C: PM2